The following is an entry in ClinVar:

ClinVar aggregate classification (germline): Uncertain significance (1 of 4 stars; one submission).

Conditions:
Familial adenomatous polyposis 1 (FAP1). Also called: FAMILIAL ADENOMATOUS POLYPOSIS 1, ATTENUATED; POLYPOSIS, ADENOMATOUS INTESTINAL. Identifiers: MedGen C2713442, MONDO:0021056, OMIM 175100. Disease mechanism: loss of function.

Submission:

Labcorp Genetics (formerly Invitae), Labcorp
Classification: Uncertain significance for Familial adenomatous polyposis 1. Last evaluated: 2025-10-10. Review status: criteria provided, single submitter. Criteria: Invitae Variant Classification Sherloc (09022015). Collection method: clinical testing. Allele origin: germline.
Comment: This variant occurs in a non-coding region of the APC gene. It does not change the encoded amino acid sequence of the APC protein. This variant is not present in population databases (gnomAD no frequency). This variant has not been reported in the literature in individuals affected with APC-related conditions. Experimental studies and prediction algorithms are not available or were not evaluated, and the functional significance of this variant is currently unknown. In summary, the available evidence is currently insufficient to determine the role of this variant in disease. Therefore, it has been classified as a Variant of Uncertain Significance.

NM_001127511.3(APC):c.30C>T (p.Val10=)

Gene: APC (APC regulator of Wnt signaling pathway; plus strand). Cytogenetic location: 5q22.2.
Variant type: single nucleotide variant.
Coding change: c.30C>T on transcript NM_001127511.3; coding-DNA position 30, C replaced by T.
Protein change: p.Val10=; no amino-acid change (valine 10 retained).
Molecular consequence: synonymous variant. On other transcripts: 5 prime UTR variant (8), non-coding transcript variant (1), intron variant (5).
Genome position (GRCh38, 1-based): chr5:112,707,747, C>T. VCF-style: chr5-112707747-C-T. GRCh37 (hg19) VCF-style: chr5-112043444-C-T.
Other names: c.-154C>T (NM_001354895.2, NM_001407447.1, NM_001407452.1 and 3 more transcripts); c.30C>T, p.Val10= (NM_001354897.2, NM_001354902.2, NM_001407446.1); c.-1189C>T (NM_001407470.1, NM_001407472.1); c.-19+98C>T (NM_001407448.1, NM_001407450.1, NM_001407457.1 and 1 more transcripts); c.-43+98C>T (NM_001407453.1).
Identifiers: ClinVar variation 1039883 (VCV001039883.9), dbSNP rs917976853, ClinGen allele CA1573442693.
Genomic context (GRCh38, chr5:112,707,747, plus strand): 5'-TCAGTTGCCTTCTCGGGCCTCGGCGCCCCCTATGTACGCCTCCCTGGGCTCGGGTCCGGT[C>T]GCCCCTTTGCCCGCTTCTGTACCACCCTCAGTTCTCGGGTCCTGGAGCACCGGCGGCAGC-3'